The following is an entry in ClinVar:

ClinVar aggregate classification (germline): Likely benign. Review status: criteria provided, single submitter (1 of 4 stars). 2 submissions from 2 submitters: Likely benign (1). 1 of the submissions does not count toward it. Last evaluated 2025-11-18.

Conditions:
TBCD-related disorder. Also called: TBCD-related condition.

Allele frequency attached by ClinVar (database versions not stated): gnomAD exomes 0.00012 and 0.00014; ExAC 0.00021; 1000 Genomes Project 0.00080; gnomAD 0.00158 and 0.00164; 1000 Genomes Project 30x 0.00172; TOPMed 0.00177.
gnomAD v4.1: 429 of 1,492,300 alleles (0.029%); highest among the groups gnomAD compares: African/African-American, 0.56%; 1 homozygote.

Submissions (2):

Labcorp Genetics (formerly Invitae), Labcorp
Classification: Likely benign. Last evaluated: 2025-11-18. Review status: criteria provided, single submitter. Criteria: Invitae Variant Classification Sherloc (09022015). Collection method: clinical testing. Allele origin: germline.

PreventionGenetics, part of Exact Sciences
Classification: Likely benign for TBCD-related condition. Last evaluated: 2019-03-21. Review status: no assertion criteria provided. Collection method: clinical testing. Allele origin: germline. Not counted in ClinVar's aggregate classification.
Comment: This variant is classified as likely benign based on ACMG/AMP sequence variant interpretation guidelines (Richards et al. 2015 PMID: 25741868, with internal and published modifications).

NM_005993.5(TBCD):c.115C>G (p.Leu39Val)

Genes: TBCD (tubulin folding cofactor D), LOC130062062 (ATAC-STARR-seq lymphoblastoid silent region 9229; plus strand). Cytogenetic location: 17q25.3.
Variant type: single nucleotide variant.
Coding change: c.115C>G on transcript NM_005993.5 (MANE Select); coding-DNA position 115, C replaced by G.
Protein change: p.Leu39Val; replaces leucine 39 with valine.
Molecular consequence: missense variant.
Genome position (GRCh38, 1-based): chr17:82,752,308, C>G. VCF-style: chr17-82752308-C-G. GRCh37 (hg19) VCF-style: chr17-80710184-C-G.
Other names: c.115C>G (NM_005993.4); short protein forms L39V.
Identifiers: ClinVar variation 1564131 (VCV001564131.10), dbSNP rs543962889, ClinGen allele CA8861509.